The following is an entry in ClinVar:

NM_000057.4(BLM):c.4112C>T (p.Thr1371Met)

Gene: BLM (BLM RecQ like helicase; plus strand). Cytogenetic location: 15q26.1.
Variant type: single nucleotide variant.
Coding change: c.4112C>T on transcript NM_000057.4 (MANE Select); coding-DNA position 4112, C replaced by T.
Protein change: p.Thr1371Met; replaces threonine 1371 with methionine.
Molecular consequence: missense variant.
Genome position (GRCh38, 1-based): chr15:90,815,137, C>T. VCF-style: chr15-90815137-C-T. GRCh37 (hg19) VCF-style: chr15-91358367-C-T.
Other names: p.T1371M:ACG>ATG; c.4112C>T, p.Thr1371Met (NM_001287246.2); c.3719C>T, p.Thr1240Met (NM_001287247.2); c.2987C>T, p.Thr996Met (NM_001287248.2); c.4112C>T (LRG_20t1); short protein forms T1371M, T1240M, T996M.
Identifiers: ClinVar variation 127510 (VCV000127510.23), dbSNP rs587779891, ClinGen allele CA287133.
Genomic context (GRCh38, chr15:90,815,137, plus strand): 5'-GATTTTTTTCTTTGTCACATTTCAGGGGGTCTGCCACATGTAGAAAGATATCTTCCAAAA[C>T]GAAATCCTCCAGCATCATTGGATCCAGTTCAGCCTCACATACTTCTCAAGCGACATCAGG-3'
Protein context (NP_000048.1, residues 1361-1381): SATCRKISSK[Thr1371Met]KSSSIIGSSS

ClinVar aggregate classification (germline): Uncertain significance. Review status: criteria provided, multiple submitters, no conflicts (2 of 4 stars). 9 submissions from 9 submitters: Uncertain significance (8). 1 of the submissions does not count toward it. Last evaluated 2025-10-02.

Conditions:
Hereditary cancer-predisposing syndrome. Also called: Hereditary Cancer Syndrome; Hereditary neoplastic syndrome; Tumor predisposition; Neoplastic Syndromes, Hereditary. Identifiers: Orphanet 140162, MedGen C0027672, MeSH D009386, MONDO:0015356.
Bloom syndrome (BLM). Also called: Bloom-Torre-Machacek syndrome. Identifiers: Orphanet 125, MedGen C0005859, MONDO:0008876, OMIM 210900.

Allele frequency attached by ClinVar (database versions not stated): ExAC 0.00001; gnomAD exomes 0.00001 and 0.00002; gnomAD 0.00003; TOPMed 0.00003.
gnomAD v4.1: 25 of 1,614,048 alleles (0.0015%); highest among the groups gnomAD compares: Admixed American, 0.0017%; no homozygotes.

Submissions (9):

Ambry Genetics
Classification: Uncertain significance for Hereditary cancer-predisposing syndrome. Last evaluated: 2025-10-02. Review status: criteria provided, single submitter. Criteria: Ambry Variant Classification Scheme 2023. Collection method: clinical testing. Allele origin: germline.

Quest Diagnostics Nichols Institute San Juan Capistrano
Classification: Uncertain significance. Last evaluated: 2025-06-09. Review status: criteria provided, single submitter. Criteria: Quest Diagnostics criteria. Collection method: clinical testing. Allele origin: unknown.
Comment: The BLM c.4112C>T (p.Thr1371Met) variant has been briefly reported in the published literature in an individual affected with neuroendocrine/adrenal cancer or colon cancer (PMID: 35988656 (2022)). The frequency of this variant in the general population (Genome Aggregation Database) is uninformative in the assessment of its pathogenicity. Analysis of this variant using bioinformatics tools for the prediction of the effect of amino acid changes on protein structure and function yielded predictions that this variant is benign. Based on the available information, we are unable to determine the clinical significance of this variant.

Mayo Clinic Laboratories, Mayo Clinic
Classification: Uncertain significance. Last evaluated: 2025-01-23. Review status: criteria provided, single submitter. Criteria: ACMG Guidelines, 2015. Collection method: clinical testing. Allele origin: germline. Observed: 1 variant allele.
Comment: BP4, PM2_supporting

Labcorp Genetics (formerly Invitae), Labcorp
Classification: Uncertain significance for Bloom syndrome. Last evaluated: 2024-12-23. Review status: criteria provided, single submitter. Criteria: Invitae Variant Classification Sherloc (09022015). Collection method: clinical testing. Allele origin: germline.
Comment: This sequence change replaces threonine, which is neutral and polar, with methionine, which is neutral and non-polar, at codon 1371 of the BLM protein (p.Thr1371Met). This variant is present in population databases (rs587779891, gnomAD 0.005%). This variant has not been reported in the literature in individuals affected with BLM-related conditions. ClinVar contains an entry for this variant (Variation ID: 127510). An algorithm developed to predict the effect of missense changes on protein structure and function (PolyPhen-2) suggests that this variant is likely to be disruptive. In summary, the available evidence is currently insufficient to determine the role of this variant in disease. Therefore, it has been classified as a Variant of Uncertain Significance.

GeneDx
Classification: Uncertain significance. Last evaluated: 2023-02-11. Review status: criteria provided, single submitter. Criteria: GeneDx Variant Classification Process June 2021. Collection method: clinical testing. Allele origin: germline. Affected: yes.
Comment: Not observed at significant frequency in large population cohorts (gnomAD); In silico analysis supports that this missense variant does not alter protein structure/function; Has not been previously published as pathogenic or benign to our knowledge

Women's Health and Genetics/Laboratory Corporation of America, LabCorp
Classification: Uncertain significance. Last evaluated: 2022-09-16. Review status: criteria provided, single submitter. Criteria: LabCorp Variant Classification Summary - May 2015. Collection method: clinical testing. Allele origin: germline.
Comment: Variant summary: BLM c.4112C>T (p.Thr1371Met) results in a non-conservative amino acid change in the encoded protein sequence. Four of five in-silico tools predict a benign effect of the variant on protein function. The variant allele was found at a frequency of 2.4e-05 in 251482 control chromosomes (gnomAD). The available data on variant occurrences in the general population are insufficient to allow any conclusion about variant significance. To our knowledge, no occurrence of c.4112C>T in individuals affected with Bloom Syndrome and no experimental evidence demonstrating its impact on protein function have been reported. Five ClinVar submitters (evaluation after 2014) cite the variant as uncertain significance. Based on the evidence outlined above, the variant was classified as uncertain significance.

Fulgent Genetics
Classification: Uncertain significance for Bloom syndrome. Last evaluated: 2021-07-16. Review status: criteria provided, single submitter. Criteria: ACMG Guidelines, 2015. Collection method: clinical testing. Allele origin: unknown.

Sema4
Classification: Uncertain significance for Hereditary cancer-predisposing syndrome. Last evaluated: 2021-05-11. Review status: criteria provided, single submitter. Criteria: Sema4 Curation Guidelines. Collection method: curation. Allele origin: germline.
Comment: To the best of our knowledge, the BLM c.4112C>T (p.T1371M) variant has not been reported in individuals with BLM-related disease. It was observed in 6/111712 chromosomes of the Non-Finnish European subpopulation in the large and broad cohorts of the Genome Aggregation Database (PMID: 32461654). The variant has been reported in ClinVar (Variation ID 127510). In silico tools suggest the impact of the variant on protein function is benign though these predictions have not been confirmed by functional studies. The evidence is insufficient to meet ACMG/AMP criteria for classifying the variant as benign or pathogenic. Thus, the clinical significance of this variant is currently uncertain.

Natera, Inc.
Classification: Uncertain significance for Bloom syndrome. Last evaluated: 2020-09-16. Review status: no assertion criteria provided. Collection method: clinical testing. Allele origin: germline. Not counted in ClinVar's aggregate classification.

Literature cited by the submitters: PubMed 35988656 (cited by Quest Diagnostics Nichols Institute San Juan Capistrano).